The following is an entry in ClinVar:

ClinVar aggregate classification (germline): Uncertain significance. Review status: criteria provided, multiple submitters, no conflicts (2 of 4 stars). 2 submissions from 2 submitters: Uncertain significance (2). Last evaluated 2024-12-23.

Conditions:
Inborn genetic diseases. Identifiers: MedGen C0950123, MeSH D030342.

Submissions (2):

Ambry Genetics
Classification: Uncertain significance for Inborn genetic diseases. Last evaluated: 2024-12-23. Review status: criteria provided, single submitter. Criteria: Ambry Variant Classification Scheme 2023. Collection method: clinical testing. Allele origin: germline.
Comment: The c.830+6T>A intronic alteration results from a T to A substitution 6 nucleotides after exon 11 (coding exon 7) of the PAK3 gene. This variant was not reported in population-based cohorts in the Genome Aggregation Database (gnomAD). This nucleotide position is highly conserved in available vertebrate species. In silico splice site analysis predicts that this alteration may weaken the native splice donor site. Based on insufficient or conflicting evidence, the clinical significance of this alteration remains unclear.

GeneDx
Classification: Uncertain significance. Last evaluated: 2024-07-30. Review status: criteria provided, single submitter. Criteria: GeneDx Variant Classification Process June 2021. Collection method: clinical testing. Allele origin: germline. Affected: yes.
Comment: Not observed at significant frequency in large population cohorts (gnomAD); In silico analysis is inconclusive as to whether the variant alters gene splicing. In the absence of RNA/functional studies, the actual effect of this sequence change is unknown.; Has not been previously published as pathogenic or benign to our knowledge

NM_002578.5(PAK3):c.830+6T>A

Gene: PAK3 (p21 (RAC1) activated kinase 3; plus strand). Cytogenetic location: Xq23.
Variant type: single nucleotide variant.
Coding change: c.830+6T>A on transcript NM_002578.5 (MANE Select); 6 bases into the intron after coding-DNA position 830, T replaced by A.
Molecular consequence: intron variant.
Genome position (GRCh38, 1-based): chrX:111,173,087, T>A. VCF-style: chrX-111173087-T-A. GRCh37 (hg19) VCF-style: chrX-110416315-T-A.
Other names: c.830+6T>A (NM_001128166.3, NM_001324325.2, NM_001324330.2 and 6 more transcripts); c.938+6T>A (NM_001128168.3); c.875+6T>A (NM_001128173.3, NM_001324329.2, NM_001324327.2 and 2 more transcripts); c.893+6T>A (NM_001128172.2).
Identifiers: ClinVar variation 3602186 (VCV003602186.2).